The following is an entry in ClinVar:

ClinVar aggregate classification (germline): Uncertain significance. Review status: criteria provided, multiple submitters, no conflicts (2 of 4 stars). 3 submissions from 3 submitters: Uncertain significance (3). Last evaluated 2026-06-23.

Conditions:
FGFR3-related chondrodysplasia. Identifiers: Orphanet 93420, MedGen C5681604, MONDO:0019685.

gnomAD v4.1: 22 of 1,612,740 alleles (0.0014%); highest among the groups gnomAD compares: Non-Finnish European, 0.0019%; no homozygotes.

Submissions (3):

Genomenon, Inc
Classification: Uncertain significance for FGFR3-related chondrodysplasia. Last evaluated: 2026-06-23. Review status: criteria provided, single submitter. Criteria: Genomenon Sequence Variant Interpretation Standards - Updated. Collection method: curation. Allele origin: germline. Affected: no.
Comment: FGFR3 p.Ala374Gly (c.1121C>G) is a missense variant that changes the amino acid at codon 374 from Alanine to Glycine. This variant has been reported in the published literature (PMID:23727984;38511139). This variant is located in a mutational hotspot and/or important functional domain. It is absent or not present at a significant frequency in gnomAD. In conclusion, we classify FGFR3 p.Ala374Gly (c.1121C>G) as a variant of uncertain significance.

Blueprint Genetics
Classification: Uncertain significance. Last evaluated: 2024-10-01. Review status: criteria provided, single submitter. Criteria: ACMG Guidelines, 2015. Collection method: clinical testing. Allele origin: germline.

GeneDx
Classification: Uncertain significance. Last evaluated: 2021-12-22. Review status: criteria provided, single submitter. Criteria: GeneDx Variant Classification Process June 2021. Collection method: clinical testing. Allele origin: germline. Affected: yes.
Comment: Not observed at significant frequency in large population cohorts (gnomAD); In silico analysis supports that this missense variant does not alter protein structure/function; Has not been previously published as pathogenic or benign to our knowledge

Literature cited by the submitters: PubMed 23727984 (cited by Genomenon, Inc); PubMed 38511139 (cited by Genomenon, Inc).

NM_000142.5(FGFR3):c.1121C>G (p.Ala374Gly)

Gene: FGFR3 (fibroblast growth factor receptor 3; plus strand). Cytogenetic location: 4p16.3.
Variant type: single nucleotide variant.
Coding change: c.1121C>G on transcript NM_000142.5 (MANE Select); coding-DNA position 1121, C replaced by G.
Protein change: p.Ala374Gly; replaces alanine 374 with glycine.
Molecular consequence: missense variant. On other transcripts: non-coding transcript variant (1), intron variant (1).
Genome position (GRCh38, 1-based): chr4:1,804,375, C>G. VCF-style: chr4-1804375-C-G. GRCh37 (hg19) VCF-style: chr4-1806102-C-G.
Other names: c.1127C>G, p.Ala376Gly (NM_001163213.2); c.1121C>G, p.Ala374Gly (NM_001354809.2, NM_001354810.2); c.931-449C>G (NM_022965.4); short protein forms A374G, A376G.
Identifiers: ClinVar variation 1693093 (VCV001693093.4), dbSNP rs2108796824, ClinGen allele CA355978953.